The following is an entry in ClinVar:

ClinVar aggregate classification (germline): Uncertain significance (1 of 4 stars; one submission).

Allele frequency attached by ClinVar (database versions not stated): gnomAD 0.00001.

Submission:

Labcorp Genetics (formerly Invitae), Labcorp
Classification: Uncertain significance. Last evaluated: 2022-06-10. Review status: criteria provided, single submitter. Criteria: Invitae Variant Classification Sherloc (09022015). Collection method: clinical testing. Allele origin: germline.
Comment: This variant has not been reported in the literature in individuals affected with GATA5-related conditions. This variant is present in population databases (no rsID available, gnomAD 0.004%). This sequence change replaces threonine, which is neutral and polar, with alanine, which is neutral and non-polar, at codon 244 of the GATA5 protein (p.Thr244Ala). In summary, the available evidence is currently insufficient to determine the role of this variant in disease. Therefore, it has been classified as a Variant of Uncertain Significance. Algorithms developed to predict the effect of missense changes on protein structure and function are either unavailable or do not agree on the potential impact of this missense change (SIFT: "Tolerated"; PolyPhen-2: "Possibly Damaging"; Align-GVGD: "Class C0").

NM_080473.5(GATA5):c.730A>G (p.Thr244Ala)

Gene: GATA5 (GATA binding protein 5; minus strand). Cytogenetic location: 20q13.33.
Variant type: single nucleotide variant.
Coding change: c.730A>G on transcript NM_080473.5 (MANE Select); coding-DNA position 730, A replaced by G.
Protein change: p.Thr244Ala; replaces threonine 244 with alanine.
Molecular consequence: missense variant.
Genome position (GRCh38, 1-based): chr20:62,466,521, T>C on the plus strand (A>G on the coding strand, the complement: GATA5 is on the minus strand). VCF-style: chr20-62466521-T-C. GRCh37 (hg19) VCF-style: chr20-61041577-T-C.
Other names: short protein forms T244A.
Identifiers: ClinVar variation 2135251 (VCV002135251.4), dbSNP rs1555896112, ClinGen allele CA409554023.